The following is an entry in ClinVar:

ClinVar aggregate classification (germline): Uncertain significance (1 of 4 stars; one submission).

Conditions:
Fabry disease. Also called: ALPHA-GALACTOSIDASE A DEFICIENCY; ANDERSON-FABRY DISEASE; CERAMIDE TRIHEXOSIDASE DEFICIENCY; GLA DEFICIENCY; HEREDITARY DYSTOPIC LIPIDOSIS; Angiokeratoma corporis diffusum. Identifiers: Orphanet 324, MedGen C0002986, MONDO:0010526, OMIM 301500, HP:0001071. Disease mechanism: Fabry disease is due to inactivating mutations in the X-linked GLA gene resulting in deficiency of the enzyme Alpha Galactosidase-A., loss of function.

Submission:

Genomenon, Inc
Classification: Uncertain significance for Fabry disease. Last evaluated: 2026-09-08. Review status: criteria provided, single submitter. Criteria: Genomenon Sequence Variant Interpretation Standards - Updated. Collection method: curation. Allele origin: germline. Affected: no.
Comment: GLA p.Tyr216Phe (c.647A>T) is a missense variant that changes the amino acid at codon 216 from Tyrosine to Phenylalanine. This variant has been reported in the published literature (PMID:28373534). It is absent or not present at a significant frequency in gnomAD. In silico models predict that this variant is possibly or probably damaging. In conclusion, we classify GLA p.Tyr216Phe (c.647A>T) as a variant of uncertain significance.

Literature cited by the submitters: PubMed 28373534.

NM_000169.3(GLA):c.647A>T (p.Tyr216Phe)

Genes: GLA (galactosidase alpha; minus strand), RPL36A-HNRNPH2 (RPL36A-HNRNPH2 readthrough; plus strand). Cytogenetic location: Xq22.1.
Variant type: single nucleotide variant.
Coding change: c.647A>T on transcript NM_000169.3 (MANE Select); coding-DNA position 647, A replaced by T.
Protein change: p.Tyr216Phe; replaces tyrosine 216 with phenylalanine.
Molecular consequence: missense variant. On other transcripts: non-coding transcript variant (3), intron variant (2).
Genome position (GRCh38, 1-based): chrX:101,398,939, T>A on the plus strand (A>T on the coding strand, the complement: GLA is on the minus strand). VCF-style: chrX-101398939-T-A. GRCh37 (hg19) VCF-style: chrX-100653927-T-A.
Other names: c.770A>T, p.Tyr257Phe (NM_001406747.1); c.647A>T, p.Tyr216Phe (NM_001406748.1); c.300+3482T>A (NM_001199973.2); c.177+7117T>A (NM_001199974.2); short protein forms Y216F, Y257F.
Identifiers: ClinVar variation 4087449 (VCV004087449.2).